The following is an entry in ClinVar:

NM_138420.4(AHNAK2):c.8538C>T (p.Asp2846=)

Gene: AHNAK2 (AHNAK nucleoprotein 2; minus strand). Cytogenetic location: 14q32.33.
Variant type: single nucleotide variant.
Coding change: c.8538C>T on transcript NM_138420.4 (MANE Select); coding-DNA position 8538, C replaced by T.
Protein change: p.Asp2846=; no amino-acid change (aspartic acid 2846 retained).
Molecular consequence: synonymous variant.
Genome position (GRCh38, 1-based): chr14:104,946,913, G>A on the plus strand (C>T on the coding strand, the complement: AHNAK2 is on the minus strand). VCF-style: chr14-104946913-G-A. GRCh37 (hg19) VCF-style: chr14-105413250-G-A.
Other names: c.8238C>T, p.Asp2746= (NM_001350929.2).
Identifiers: ClinVar variation 2644698 (VCV002644698.24), dbSNP rs182892317, ClinGen allele CA7380037.

ClinVar aggregate classification (germline): Benign (1 of 4 stars; one submission).

Allele frequency attached by ClinVar (database versions not stated): ESP Exome Variant Server 0.00073; TOPMed 0.00207; gnomAD 0.00228; 1000 Genomes Project 0.00539; 1000 Genomes Project 30x 0.00562.

Submission:

CeGaT Center for Human Genetics Tuebingen
Classification: Benign. Last evaluated: 2022-11-01. Review status: criteria provided, single submitter. Criteria: CeGaT Center For Human Genetics Tuebingen Variant Classification Criteria Version 2. Collection method: clinical testing. Allele origin: germline. Affected: yes. Observed: 1 variant allele.
Comment: AHNAK2: BP4, BP7, BS1, BS2